The following is an entry in ClinVar:

NM_001079872.2(CUL4B):c.1930T>C (p.Phe644Leu)

Gene: CUL4B (cullin 4B; minus strand). Cytogenetic location: Xq24.
Variant type: single nucleotide variant.
Coding change: c.1930T>C on transcript NM_001079872.2 (MANE Select); coding-DNA position 1930, T replaced by C.
Protein change: p.Phe644Leu; replaces phenylalanine 644 with leucine.
Molecular consequence: missense variant.
Genome position (GRCh38, 1-based): chrX:120,538,132, A>G on the plus strand (T>C on the coding strand, the complement: CUL4B is on the minus strand). VCF-style: chrX-120538132-A-G. GRCh37 (hg19) VCF-style: chrX-119671987-A-G.
Other names: c.1945T>C, p.Phe649Leu (NM_001330624.2); c.1396T>C, p.Phe466Leu (NM_001369145.1); c.1984T>C, p.Phe662Leu (NM_003588.4); short protein forms F662L, F466L, F644L, F649L.
Identifiers: ClinVar variation 423083 (VCV000423083.2), dbSNP rs1064796215, ClinGen allele CA16621193.
Genomic context (GRCh38, chrX:120,538,132, plus strand): 5'-GATAACTAAATACAACTAAGTTTGAGGAATTAAGAGTTTAACTCACTTTTACCTGTTTGA[A>G]CTGAATCATGATGTCTTTAGAAAGTTCCATGTCTTTAAACATTCCTTCAAGTTTGCTGGT-3'
Protein context (NP_001073341.1, residues 634-654): MELSKDIMIQ[Phe644Leu]KQYMQNQNVP

ClinVar aggregate classification (germline): Uncertain significance (1 of 4 stars; one submission).

Submission:

GeneDx
Classification: Uncertain significance. Last evaluated: 2017-01-24. Review status: criteria provided, single submitter. Criteria: GeneDx Variant Classification (06012015). Collection method: clinical testing. Allele origin: germline. Affected: yes.
Comment: The F662L variant in the CUL4B gene has not been reported previously as a pathogenic variant, nor as a benign variant, to our knowledge. The F662L variant is not observed in large population cohorts (Lek et al., 2016; 1000 Genomes Consortium et al., 2015; Exome Variant Server). The F662L variant is a conservative amino acid substitution, which is not likely to impact secondary protein structure as these residues share similar properties. This substitution occurs at a position that is conserved across species, and in silico analysis predicts this variant is probably damaging to the protein structure/function. We interpret F662L as a variant of uncertain significance.